The following is an entry in ClinVar:

NM_201384.3(PLEC):c.1301G>C (p.Arg434Pro)

Gene: PLEC (plectin; minus strand). Cytogenetic location: 8q24.3.
Variant type: single nucleotide variant.
Coding change: c.1301G>C on transcript NM_201384.3 (MANE Select); coding-DNA position 1301, G replaced by C.
Protein change: p.Arg434Pro; replaces arginine 434 with proline.
Molecular consequence: missense variant.
Genome position (GRCh38, 1-based): chr8:143,933,314, C>G on the plus strand (G>C on the coding strand, the complement: PLEC is on the minus strand). VCF-style: chr8-143933314-C-G. GRCh37 (hg19) VCF-style: chr8-145007482-C-G.
Other names: c.1382G>C, p.Arg461Pro (NM_000445.5); c.1259G>C, p.Arg420Pro (NM_201378.4); c.1235G>C, p.Arg412Pro (NM_201379.3); c.1712G>C, p.Arg571Pro (NM_201380.4); c.1205G>C, p.Arg402Pro (NM_201381.3); c.1301G>C, p.Arg434Pro (NM_201382.4); c.1313G>C, p.Arg438Pro (NM_201383.3); short protein forms R402P, R412P, R420P, R438P, R461P, R571P, R434P.
Identifiers: ClinVar variation 639972 (VCV000639972.6), dbSNP rs201336009, ClinGen allele CA4928026.
Genomic context (GRCh38, chr8:143,933,314, plus strand): 5'-TTGAAGAGCAGCCGGATCATGCTATCCGCCTTGTCCAAGTCCCGTTCCACCTCCCCCGCC[C>G]GCTGTGGCACTTTGCCTGCAGCCAGCAGCCGGACATCCTGCAAGGTCGTTGCCATGACTC-3'
Protein context (NP_958786.1, residues 424-444): RLLAAGKVPQ[Arg434Pro]AGEVERDLDK

ClinVar aggregate classification (germline): Uncertain significance (1 of 4 stars; one submission).

Conditions:
Epidermolysis bullosa simplex 5C, with pyloric atresia (EBS5C). Also called: PLEC-Related Epidermolysis Bullosa with Pyloric Atresia; Epidermolysis bullosa simplex with pyloric atresia; PLEC1-Related Epidermolysis Bullosa with Pyloric Atresia. Identifiers: Orphanet 158684, MedGen C2677349, MONDO:0012807, OMIM 612138.
Epidermolysis bullosa simplex 5B, with muscular dystrophy (EBS5B). Also called: EPIDERMOLYSIS BULLOSA SIMPLEX AND LIMB-GIRDLE MUSCULAR DYSTROPHY; Epidermolysis bullosa simplex with muscular dystrophy. Identifiers: Orphanet 257, MedGen C2931072, MONDO:0009181, OMIM 226670.
Autosomal recessive limb-girdle muscular dystrophy type 2Q (LGMDR17). Also called: MUSCULAR DYSTROPHY, LIMB-GIRDLE, AUTOSOMAL RECESSIVE 17. Identifiers: Orphanet 254361, MedGen C3150989, MONDO:0013390, OMIM 613723.
Epidermolysis bullosa simplex with nail dystrophy (EBS5D). Identifiers: MedGen C4225309, MONDO:0014661, OMIM 616487.
Epidermolysis bullosa simplex, Ogna type (EBS5A). Also called: Pidermolysis bullosa simplex 5A, Ogna type; EPIDERMOLYSIS BULLOSA SIMPLEX 5A, OGNA TYPE. Identifiers: Orphanet 79401, MedGen C0432317, MONDO:0007555, OMIM 131950.

Allele frequency attached by ClinVar (database versions not stated): 1000 Genomes Project 30x 0.00016.
gnomAD v4.1: 11 of 1,612,752 alleles (0.00068%); highest among the groups gnomAD compares: East Asian, 0.025%; no homozygotes.

Submission:

Labcorp Genetics (formerly Invitae), Labcorp
Classification: Uncertain significance for Autosomal recessive limb-girdle muscular dystrophy type 2Q; Epidermolysis bullosa simplex, Ogna type; Epidermolysis bullosa simplex with nail dystrophy; Epidermolysis bullosa simplex 5C, with pyloric atresia; Epidermolysis bullosa simplex 5B, with muscular dystrophy. Last evaluated: 2022-08-16. Review status: criteria provided, single submitter. Criteria: Invitae Variant Classification Sherloc (09022015). Collection method: clinical testing. Allele origin: germline.
Comment: This variant has not been reported in the literature in individuals affected with PLEC-related conditions. ClinVar contains an entry for this variant (Variation ID: 639972). Algorithms developed to predict the effect of missense changes on protein structure and function are either unavailable or do not agree on the potential impact of this missense change (SIFT: "Deleterious"; PolyPhen-2: "Not Available"; Align-GVGD: "Class C25"). In summary, the available evidence is currently insufficient to determine the role of this variant in disease. Therefore, it has been classified as a Variant of Uncertain Significance. This variant is present in population databases (rs201336009, gnomAD 0.006%). This sequence change replaces arginine, which is basic and polar, with proline, which is neutral and non-polar, at codon 461 of the PLEC protein (p.Arg461Pro).